The following is an entry in ClinVar:

NM_175737.4(KLB):c.624G>A (p.Gly208=)

Gene: KLB (klotho beta; plus strand). Cytogenetic location: 4p14.
Variant type: single nucleotide variant.
Coding change: c.624G>A on transcript NM_175737.4 (MANE Select); coding-DNA position 624, G replaced by A.
Protein change: p.Gly208=; no amino-acid change (glycine 208 retained).
Molecular consequence: synonymous variant.
Genome position (GRCh38, 1-based): chr4:39,407,573, G>A. VCF-style: chr4-39407573-G-A. GRCh37 (hg19) VCF-style: chr4-39409193-G-A.
Identifiers: ClinVar variation 748396 (VCV000748396.8), dbSNP rs765099477, ClinGen allele CA2893684.

ClinVar aggregate classification (germline): Likely benign. Review status: criteria provided, single submitter (1 of 4 stars). 2 submissions from 2 submitters: Likely benign (1). 1 of the submissions does not count toward it. Last evaluated 2024-03-02.

Conditions:
KLB-related disorder. Also called: KLB-related condition.

Allele frequency attached by ClinVar (database versions not stated): gnomAD 0.00003; TOPMed 0.00004; ExAC 0.00008; gnomAD exomes 0.00012.
gnomAD v4.1: 75 of 1,613,880 alleles (0.0046%); highest among the groups gnomAD compares: South Asian, 0.042%; no homozygotes.

Submissions (2):

Labcorp Genetics (formerly Invitae), Labcorp
Classification: Likely benign. Last evaluated: 2024-03-02. Review status: criteria provided, single submitter. Criteria: Invitae Variant Classification Sherloc (09022015). Collection method: clinical testing. Allele origin: germline.

PreventionGenetics, part of Exact Sciences
Classification: Likely benign for KLB-related condition. Last evaluated: 2019-02-28. Review status: no assertion criteria provided. Collection method: clinical testing. Allele origin: germline. Not counted in ClinVar's aggregate classification.
Comment: This variant is classified as likely benign based on ACMG/AMP sequence variant interpretation guidelines (Richards et al. 2015 PMID: 25741868, with internal and published modifications).